The following is an entry in ClinVar:

ClinVar aggregate classification (germline): Pathogenic/Likely pathogenic. Review status: criteria provided, multiple submitters, no conflicts (2 of 4 stars). 2 submissions from 2 submitters: Pathogenic (1); Likely pathogenic (1). Last evaluated 2024-07-02.

Conditions:
ALMS1-related disorder. Also called: ALMS1-related condition.
Alstrom syndrome (ALMS). Identifiers: Orphanet 64, MedGen C0268425, MONDO:0008763, OMIM 203800.

Submissions (2):

Labcorp Genetics (formerly Invitae), Labcorp
Classification: Pathogenic for Alstrom syndrome. Last evaluated: 2024-07-02. Review status: criteria provided, single submitter. Criteria: Invitae Variant Classification Sherloc (09022015). Collection method: clinical testing. Allele origin: germline.
Comment: This sequence change creates a premature translational stop signal (p.Tyr2938*) in the ALMS1 gene. It is expected to result in an absent or disrupted protein product. Loss-of-function variants in ALMS1 are known to be pathogenic (PMID: 17594715). This variant is not present in population databases (gnomAD no frequency). This variant has not been reported in the literature in individuals affected with ALMS1-related conditions. ClinVar contains an entry for this variant (Variation ID: 866226). For these reasons, this variant has been classified as Pathogenic.

Blueprint Genetics
Classification: Likely pathogenic for ALMS1-related disorders. Last evaluated: 2018-11-13. Review status: criteria provided, single submitter. Criteria: ACMG Guidelines, 2015. Collection method: clinical testing. Allele origin: germline. Affected: yes. Observed: 1 variant allele.

Literature cited by the submitters: PubMed 17594715 (cited by Labcorp Genetics (formerly Invitae), Labcorp).

NM_001378454.1(ALMS1):c.8811T>G (p.Tyr2937Ter)

Gene: ALMS1 (ALMS1 centrosome and basal body associated protein; plus strand). Cytogenetic location: 2p13.1.
Variant type: single nucleotide variant.
Coding change: c.8811T>G on transcript NM_001378454.1 (MANE Select); coding-DNA position 8811, T replaced by G.
Protein change: p.Tyr2937Ter; replaces tyrosine 2937 with a stop codon.
Molecular consequence: nonsense.
Genome position (GRCh38, 1-based): chr2:73,490,770, T>G. VCF-style: chr2-73490770-T-G. GRCh37 (hg19) VCF-style: chr2-73717897-T-G.
Other names: c.8814T>G, p.Tyr2938Ter (NM_015120.4); short protein forms Y2937*, Y2938*.
Identifiers: ClinVar variation 866226 (VCV000866226.4), dbSNP rs541559170, ClinGen allele CA347270680.
Genomic context (GRCh38, chr2:73,490,770, plus strand): 5'-CCTTCCTTCTTGCATTTTTCTTGAACAACGAGAACTCTTTGAACAGTGCAAAGCCCCATA[T>G]GTAGATCATCAAATGAGAGAAAACCATTCTCCCCTTCCTCAAGGTCAGGATTCTATAGCT-3'